The following is an entry in ClinVar:

ClinVar aggregate classification (germline): Uncertain significance (1 of 4 stars; one submission).

gnomAD v4.1: 2 of 1,210,892 alleles (0.00017%); highest among the groups gnomAD compares: East Asian, 0.003%; no homozygotes.

Submission:

Ambry Genetics
Classification: Uncertain significance. Last evaluated: 2026-07-08. Review status: criteria provided, single submitter. Criteria: Ambry Variant Classification Scheme 2023. Collection method: clinical testing. Allele origin: germline.
Comment: The c.733C>G (p.L245V) alteration is located in exon 3 (coding exon 1) of the MAGEA6 gene. This alteration results from a C to G substitution at nucleotide position 733, causing the leucine (L) at amino acid position 245 to be replaced by a valine (V). Based on data from gnomAD, the G allele has an overall frequency of <0.001% (1/183329) total alleles studied. The highest observed frequency was 0.007% (1/13853) of East Asian alleles. Based on insufficient or conflicting evidence, the clinical significance of this alteration remains unclear.

NM_005363.5(MAGEA6):c.733C>G (p.Leu245Val)

Gene: MAGEA6 (MAGE family member A6). Cytogenetic location: Xq28.
Variant type: single nucleotide variant.
Coding change: c.733C>G on transcript NM_005363.5 (MANE Select); coding-DNA position 733, C replaced by G.
Protein change: p.Leu245Val; replaces leucine 245 with valine.
Molecular consequence: missense variant.
Genome position (GRCh38, 1-based): chrX:152,766,918, G>C on the plus strand (C>G on the coding strand, the complement: MAGEA6 is on the minus strand). VCF-style: chrX-152766918-G-C. GRCh37 (hg19) VCF-style: chrX-151870043-C-G.
Other names: c.733C>G, p.Leu245Val (NM_175868.4); short protein forms L245V.
Identifiers: ClinVar variation 5023829 (VCV005023829.1).